The following is an entry in ClinVar:

NM_000020.3(ACVRL1):c.1214T>C (p.Leu405Pro)

Gene: ACVRL1 (activin A receptor like type 1; plus strand). Cytogenetic location: 12q13.13.
Variant type: single nucleotide variant.
Coding change: c.1214T>C on transcript NM_000020.3 (MANE Select); coding-DNA position 1214, T replaced by C.
Protein change: p.Leu405Pro; replaces leucine 405 with proline.
Molecular consequence: missense variant. On other transcripts: intron variant (1).
Genome position (GRCh38, 1-based): chr12:51,916,201, T>C. VCF-style: chr12-51916201-T-C. GRCh37 (hg19) VCF-style: chr12-52309985-T-C.
Other names: c.1214T>C, p.Leu405Pro (NM_001077401.2, NM_001406487.1, NM_001406488.1 and 1 more transcripts); c.902T>C, p.Leu301Pro (NM_001406490.1, NM_001406491.1, NM_001406492.1 and 1 more transcripts); c.650T>C, p.Leu217Pro (NM_001406495.1); c.736+701T>C (NM_001406494.1); short protein forms L217P, L301P, L405P.
Identifiers: ClinVar variation 2498561 (VCV002498561.28), dbSNP rs2540166772, ClinGen allele CA384902972.

ClinVar aggregate classification (germline): Uncertain significance (1 of 4 stars; one submission).

Submission:

CeGaT Center for Human Genetics Tuebingen
Classification: Uncertain significance. Last evaluated: 2026-04-01. Review status: criteria provided, single submitter. Criteria: CeGaT Center For Human Genetics Tuebingen Variant Classification Criteria Version 2. Collection method: clinical testing. Allele origin: germline. Affected: yes. Observed: 2 variant alleles.
Comment: ACVRL1: PM1, PM2, PP4